The following is an entry in ClinVar:

NM_004393.6(DAG1):c.1747G>A (p.Gly583Arg)

Gene: DAG1 (dystroglycan 1; plus strand). Cytogenetic location: 3p21.31.
Variant type: single nucleotide variant.
Coding change: c.1747G>A on transcript NM_004393.6 (MANE Select); coding-DNA position 1747, G replaced by A.
Protein change: p.Gly583Arg; replaces glycine 583 with arginine.
Molecular consequence: missense variant.
Genome position (GRCh38, 1-based): chr3:49,532,258, G>A. VCF-style: chr3-49532258-G-A. GRCh37 (hg19) VCF-style: chr3-49569691-G-A.
Other names: c.1747G>A, p.Gly583Arg (NM_001165928.4, NM_001177634.3, NM_001177635.3 and 9 more transcripts); short protein forms G583R.
Identifiers: ClinVar variation 1422850 (VCV001422850.5), dbSNP rs781334046, ClinGen allele CA2399135.

ClinVar aggregate classification (germline): Uncertain significance (1 of 4 stars; one submission).

Conditions:
Muscular dystrophy-dystroglycanopathy (congenital with brain and eye anomalies), type A9. Also called: WALKER-WARBURG SYNDROME OR MUSCLE-EYE BRAIN DISEASE, DAG1-RELATED; Muscular dystrophy-dystroglycanopathy (congenital with brain and eye anomalies), type a, 9. Identifiers: Orphanet 370997, Orphanet 899, MedGen C4225291, MONDO:0014683, OMIM 616538.
Autosomal recessive limb-girdle muscular dystrophy type 2P. Also called: MUSCULAR DYSTROPHY-DYSTROGLYCANOPATHY, LIMB-GIRDLE, DAG1-RELATED; Limb-Girdle Muscular Dystrophy Type 9C; MUSCULAR DYSTROPHY, LIMB-GIRDLE, TYPE 2P. Identifiers: Orphanet 280333, MedGen C4511963, MONDO:0013440, OMIM 613818.

Allele frequency attached by ClinVar (database versions not stated): gnomAD exomes below 0.00001 and 0.00001; ExAC 0.00001; gnomAD 0.00001; TOPMed 0.00002.
gnomAD v4.1: 18 of 1,613,884 alleles (0.0011%); highest among the groups gnomAD compares: East Asian, 0.022%; no homozygotes.

Submission:

Labcorp Genetics (formerly Invitae), Labcorp
Classification: Uncertain significance for Autosomal recessive limb-girdle muscular dystrophy type 2P; Muscular dystrophy-dystroglycanopathy (congenital with brain and eye anomalies), type A9. Last evaluated: 2021-10-14. Review status: criteria provided, single submitter. Criteria: Invitae Variant Classification Sherloc (09022015). Collection method: clinical testing. Allele origin: germline.
Comment: This sequence change replaces glycine with arginine at codon 583 of the DAG1 protein (p.Gly583Arg). The glycine residue is highly conserved and there is a moderate physicochemical difference between glycine and arginine. This variant is present in population databases (rs781334046, ExAC 0.01%). This missense change has been observed in individual(s) with clinical features of muscular dystrophy-dystroglycanopathy (PMID: 31066050). Algorithms developed to predict the effect of missense changes on protein structure and function are either unavailable or do not agree on the potential impact of this missense change (SIFT: "Deleterious"; PolyPhen-2: "Probably Damaging"; Align-GVGD: "Class C0"). In summary, the available evidence is currently insufficient to determine the role of this variant in disease. Therefore, it has been classified as a Variant of Uncertain Significance.

Literature cited by the submitters: PubMed 31066050.